The following is an entry in ClinVar:

NM_001287.6(CLCN7):c.2030G>C (p.Gly677Ala)

Gene: CLCN7 (chloride voltage-gated channel 7; minus strand). Cytogenetic location: 16p13.3.
Variant type: single nucleotide variant.
Coding change: c.2030G>C on transcript NM_001287.6 (MANE Select); coding-DNA position 2030, G replaced by C.
Protein change: p.Gly677Ala; replaces glycine 677 with alanine.
Molecular consequence: missense variant.
Genome position (GRCh38, 1-based): chr16:1,447,698, C>G on the plus strand (G>C on the coding strand, the complement: CLCN7 is on the minus strand). VCF-style: chr16-1447698-C-G. GRCh37 (hg19) VCF-style: chr16-1497699-C-G.
Other names: c.1958G>C, p.Gly653Ala (NM_001114331.3); short protein forms G653A, G677A.
Identifiers: ClinVar variation 2027675 (VCV002027675.4), dbSNP rs2142366157, ClinGen allele CA394185926.

ClinVar aggregate classification (germline): Likely pathogenic (1 of 4 stars; one submission).

Submission:

Labcorp Genetics (formerly Invitae), Labcorp
Classification: Likely pathogenic. Last evaluated: 2022-08-28. Review status: criteria provided, single submitter. Criteria: Invitae Variant Classification Sherloc (09022015). Collection method: clinical testing. Allele origin: germline.
Comment: This variant disrupts the p.Gly677 amino acid residue in CLCN7. Other variant(s) that disrupt this residue have been determined to be pathogenic (PMID: 14584882; Invitae). This suggests that this residue is clinically significant, and that variants that disrupt this residue are likely to be disease-causing. Advanced modeling of protein sequence and biophysical properties (such as structural, functional, and spatial information, amino acid conservation, physicochemical variation, residue mobility, and thermodynamic stability) performed at Invitae indicates that this missense variant is expected to disrupt CLCN7 protein function. This variant has not been reported in the literature in individuals affected with CLCN7-related conditions. This variant is not present in population databases (gnomAD no frequency). This sequence change replaces glycine, which is neutral and non-polar, with alanine, which is neutral and non-polar, at codon 677 of the CLCN7 protein (p.Gly677Ala). In summary, the currently available evidence indicates that the variant is pathogenic, but additional data are needed to prove that conclusively. Therefore, this variant has been classified as Likely Pathogenic.

Literature cited by the submitters: PubMed 14584882.